The following is an entry in ClinVar:

NM_022042.4(SLC26A1):c.513C>T (p.Cys171=)

Genes: IDUA (alpha-L-iduronidase; plus strand), SLC26A1 (solute carrier family 26 member 1; minus strand). Cytogenetic location: 4p16.3.
Variant type: single nucleotide variant.
Coding change: c.513C>T on transcript NM_022042.4 (MANE Select); coding-DNA position 513, C replaced by T.
Protein change: p.Cys171=; no amino-acid change (cysteine 171 retained).
Molecular consequence: synonymous variant. On other transcripts: intron variant (1).
Genome position (GRCh38, 1-based): chr4:991,191, G>A on the plus strand (C>T on the coding strand, the complement: SLC26A1 is on the minus strand). VCF-style: chr4-991191-G-A. GRCh37 (hg19) VCF-style: chr4-984979-G-A.
Other names: p.Cys171=; c.513C>T, p.Cys171= (NM_134425.4, NM_213613.4); c.299+3242G>A (NM_000203.5).
Identifiers: ClinVar variation 780438 (VCV000780438.14), dbSNP rs114936403, ClinGen allele CA2801649.

ClinVar aggregate classification (germline): Benign. Review status: criteria provided, multiple submitters, no conflicts (2 of 4 stars). 4 submissions from 4 submitters: Benign (4). Last evaluated 2026-01-21.

Conditions:
Nephrolithiasis, calcium oxalate. Also called: Calcium oxalate urolithiasis. Identifiers: MedGen C1833683, MONDO:0957318, HP:0008672.

Allele frequency attached by ClinVar (database versions not stated): gnomAD exomes 0.00142 and 0.00359; ExAC 0.00475; gnomAD 0.01272 and 0.01361; TOPMed 0.01433; ESP Exome Variant Server 0.01565; 1000 Genomes Project 0.01617; 1000 Genomes Project 30x 0.01765.
gnomAD v4.1: 4,096 of 1,594,616 alleles (0.26%); highest among the groups gnomAD compares: African/African-American, 4.3%; 91 homozygotes.

Submissions (4):

Labcorp Genetics (formerly Invitae), Labcorp
Classification: Benign. Last evaluated: 2026-01-21. Review status: criteria provided, single submitter. Criteria: Invitae Variant Classification Sherloc (09022015). Collection method: clinical testing. Allele origin: germline.

Mayo Clinic Laboratories, Mayo Clinic
Classification: Benign. Last evaluated: 2023-11-29. Review status: criteria provided, single submitter. Criteria: ACMG Guidelines, 2015. Collection method: clinical testing. Allele origin: germline. Observed: 7 variant alleles.
Comment: BS1, BS2, BP4, BP7

Fulgent Genetics
Classification: Benign for Nephrolithiasis susceptibility caused by SLC26A1. Last evaluated: 2021-07-21. Review status: criteria provided, single submitter. Criteria: ACMG Guidelines, 2015. Collection method: clinical testing. Allele origin: unknown.

Breakthrough Genomics
Classification: Benign. Review status: criteria provided, single submitter. Criteria: ACMG Guidelines, 2015. Collection method: not provided. Allele origin: germline. Inheritance: Autosomal recessive inheritance. Affected: yes.